The following is an entry in ClinVar:

NM_004586.3(RPS6KA3):c.660C>A (p.Asp220Glu)

Gene: RPS6KA3 (ribosomal protein S6 kinase A3; minus strand). Cytogenetic location: Xp22.12.
Variant type: single nucleotide variant.
Coding change: c.660C>A on transcript NM_004586.3 (MANE Select); coding-DNA position 660, C replaced by A.
Protein change: p.Asp220Glu; replaces aspartic acid 220 with glutamic acid.
Molecular consequence: missense variant.
Genome position (GRCh38, 1-based): chrX:20,187,942, G>T on the plus strand (C>A on the coding strand, the complement: RPS6KA3 is on the minus strand). VCF-style: chrX-20187942-G-T. GRCh37 (hg19) VCF-style: chrX-20206060-G-T.
Other names: short protein forms D220E.
Identifiers: ClinVar variation 4057053 (VCV004057053.1).

ClinVar aggregate classification (germline): Uncertain significance (1 of 4 stars; one submission).

gnomAD v4.1: 1 of 1,204,429 alleles (0.000083%); highest among the groups gnomAD compares: Non-Finnish European, 0.00011%; no homozygotes.

Submission:

GeneDx
Classification: Uncertain significance. Last evaluated: 2025-01-10. Review status: criteria provided, single submitter. Criteria: GeneDx Variant Classification Process June 2021. Collection method: clinical testing. Allele origin: germline. Affected: yes.
Comment: Not observed at significant frequency in large population cohorts (gnomAD); In silico analysis supports that this missense variant has a deleterious effect on protein structure/function; Has not been previously published as pathogenic or benign to our knowledge